The following is an entry in ClinVar:

NM_001365088.1(SLC12A6):c.*1087C>A

Gene: SLC12A6 (solute carrier family 12 member 6; minus strand). Cytogenetic location: 15q14.
Variant type: single nucleotide variant.
Coding change: c.*1087C>A on transcript NM_001365088.1 (MANE Select); 1087 bases downstream of the stop codon, C replaced by A.
Molecular consequence: 3 prime UTR variant.
Genome position (GRCh38, 1-based): chr15:34,232,794, G>T on the plus strand (C>A on the coding strand, the complement: SLC12A6 is on the minus strand). VCF-style: chr15-34232794-G-T. GRCh37 (hg19) VCF-style: chr15-34524995-G-T.
Other names: NC_000015.9:g.34524995G>T; c.*1087C>A (NM_001042494.2, NM_001042495.2, NM_001042496.2 and 3 more transcripts).
Identifiers: ClinVar variation 315595 (VCV000315595.6), dbSNP rs4779660, ClinGen allele CA10641588.

ClinVar aggregate classification (germline): Benign (1 of 4 stars; one submission).

Conditions:
Agenesis of the corpus callosum with peripheral neuropathy (ACCPN). Also called: CHARLEVOIX DISEASE; Hereditary Motor and Sensory Neuropathy with Agenesis of the Corpus Callosum; POLYNEUROPATHY, SENSORIMOTOR, WITH OR WITHOUT AGENESIS OF THE CORPUS CALLOSUM; HMSN/ACC. Identifiers: Orphanet 1496, MedGen C0795950, MONDO:0000902, OMIM 218000. Disease mechanism: loss of function.

Allele frequency attached by ClinVar (database versions not stated): TOPMed 0.77350; 1000 Genomes Project 30x 0.78295; 1000 Genomes Project 0.78954; gnomAD exomes 0.88028.
gnomAD v4.1: 119,264 of 152,410 alleles (78%); highest among the groups gnomAD compares: East Asian, 100%; 48,060 homozygotes.

Submissions (2):

Illumina Laboratory Services, Illumina
Classification: Benign for Agenesis of the corpus callosum with peripheral neuropathy. Last evaluated: 2018-01-13. Review status: criteria provided, single submitter. Criteria: ICSL Variant Classification Criteria 13 December 2019. Collection method: clinical testing. Allele origin: germline.
Comment: This variant was observed in the ICSL laboratory as part of a predisposition screen in an ostensibly healthy population. It had not been previously curated by ICSL or reported in the Human Gene Mutation Database (HGMD: prior to June 1st, 2018), and was therefore a candidate for classification through an automated scoring system. Utilizing variant allele frequency, disease prevalence and penetrance estimates, and inheritance mode, an automated score was calculated to assess if this variant is too frequent to cause the disease. Based on the score and internal cut-off values, a variant classified as benign is not then subjected to further curation. The score for this variant resulted in a classification of benign for this disease.

Dr. Peter K. Rogan Lab, Western University
No classification provided (evidence only). Condition: Gastric cancer. Review status: no classification provided. Collection method: in vitro. Allele origin: not applicable. Functional consequence: retained intron. Not counted in ClinVar's aggregate classification.